The following is an entry in ClinVar:

NM_000419.5(ITGA2B):c.1553T>A (p.Ile518Asn)

Gene: ITGA2B (integrin subunit alpha 2b; minus strand). Cytogenetic location: 17q21.31.
Variant type: single nucleotide variant.
Coding change: c.1553T>A on transcript NM_000419.5 (MANE Select); coding-DNA position 1553, T replaced by A.
Protein change: p.Ile518Asn; replaces isoleucine 518 with asparagine.
Molecular consequence: missense variant.
Genome position (GRCh38, 1-based): chr17:44,380,293, A>T on the plus strand (T>A on the coding strand, the complement: ITGA2B is on the minus strand). VCF-style: chr17-44380293-A-T. GRCh37 (hg19) VCF-style: chr17-42457661-A-T.
Other names: NM_000419.5:c.1553T>A; short protein forms I518N.
Identifiers: ClinVar variation 2498358 (VCV002498358.3), dbSNP rs767588159, ClinGen allele CA8603038.

ClinVar aggregate classification (germline): Likely pathogenic (3 of 4 stars; one submission).

Conditions:
Glanzmann thrombasthenia. Also called: BLEEDING DISORDER, PLATELET-TYPE, 2; THROMBASTHENIA OF GLANZMANN AND NAEGELI; Thrombasthenia; PLATELET GLYCOPROTEIN IIb-IIIa DEFICIENCY; Glanzmann's thrombasthenia. Identifiers: Orphanet 849, MedGen C0040015, MONDO:0100326.

Allele frequency attached by ClinVar (database versions not stated): gnomAD exomes below 0.00001; ExAC 0.00001; gnomAD 0.00001.
gnomAD v4.1: 5 of 1,614,038 alleles (0.00031%); highest among the groups gnomAD compares: Non-Finnish European, 0.00042%; no homozygotes.

Submission:

ClinGen Platelet Disorders Variant Curation Expert Panel, ClinGen
Classification: Likely pathogenic for Glanzmann thrombasthenia. Last evaluated: 2025-12-16. Review status: reviewed by expert panel. Criteria: ClinGen Platelet ACMG Specifications v2-1. Collection method: curation. Allele origin: germline. Inheritance: Autosomal recessive inheritance.
Comment: The NM_000419.5(ITGA2B):c.1553T>A (p.Ile518Asn) variant is a missense variant with highest population minor allele frequency in gnomAD v4.1 is 0.000004237 (5/1180038 alleles) in the European (non-Finnish) genetic ancestry group, which is lower than the ClinGen PD VCEP threshold (<0.0001; PM2_Supporting). One proband harboring this variant in the compound heterozygous state with a likely pathogenic splice site variant, c.1946+3G>T, met PD-VECP criteria for the Glanzmann thrombasthenia phenotype (PM3_supporting, PP4_strong). Multiple in silico predictors predict this variant to be deleterious (REVEL score=0.809; PP3). This variant meets PD-VCEP criteria for PP4_strong, PM2_supporting, PM3_supporting and PP3, and is classified as likely pathogenic.